The following is an entry in ClinVar:

ClinVar aggregate classification (germline): Likely benign (1 of 4 stars; one submission).

Allele frequency attached by ClinVar (database versions not stated): gnomAD exomes 0.00002; TOPMed 0.00002; gnomAD 0.00003.
gnomAD v4.1: 29 of 1,613,304 alleles (0.0018%); highest among the groups gnomAD compares: Non-Finnish European, 0.0024%; no homozygotes.

Submission:

CeGaT Center for Human Genetics Tuebingen
Classification: Likely benign. Last evaluated: 2023-08-01. Review status: criteria provided, single submitter. Criteria: CeGaT Center For Human Genetics Tuebingen Variant Classification Criteria Version 2. Collection method: clinical testing. Allele origin: germline. Affected: yes. Observed: 1 variant allele.
Comment: WWTR1: BP4, BP7

NM_015472.6(WWTR1):c.1074T>C (p.Pro358=)

Gene: WWTR1 (WW domain containing transcription regulator 1; minus strand). Cytogenetic location: 3q25.1.
Variant type: single nucleotide variant.
Coding change: c.1074T>C on transcript NM_015472.6 (MANE Select); coding-DNA position 1074, T replaced by C.
Protein change: p.Pro358=; no amino-acid change (proline 358 retained).
Molecular consequence: synonymous variant.
Genome position (GRCh38, 1-based): chr3:149,520,934, A>G on the plus strand (T>C on the coding strand, the complement: WWTR1 is on the minus strand). VCF-style: chr3-149520934-A-G. GRCh37 (hg19) VCF-style: chr3-149238721-A-G.
Other names: c.1074T>C, p.Pro358= (NM_001168278.3, NM_001168280.3, NM_001348362.2).
Identifiers: ClinVar variation 2578952 (VCV002578952.25), dbSNP rs1294542058, ClinGen allele CA436340172.